The following is an entry in ClinVar:

ClinVar aggregate classification (germline): Conflicting classifications of pathogenicity. Review status: criteria provided, conflicting classifications (1 of 4 stars). 3 submissions from 3 submitters: Uncertain significance (1); Likely benign (2). Last evaluated 2025-12-27.

Conditions:
Lethal congenital glycogen storage disease of heart. Also called: GLYCOGEN STORAGE DISEASE OF HEART; PHOSPHORYLASE KINASE DEFICIENCY OF HEART. Identifiers: Orphanet 439854, MedGen C1849813, MONDO:0009867, OMIM 261740.

Allele frequency attached by ClinVar (database versions not stated): gnomAD exomes 0.00001.

Submissions (3):

Labcorp Genetics (formerly Invitae), Labcorp
Classification: Uncertain significance for Lethal congenital glycogen storage disease of heart. Last evaluated: 2025-12-27. Review status: criteria provided, single submitter. Criteria: Invitae Variant Classification Sherloc (09022015). Collection method: clinical testing. Allele origin: germline.
Comment: This sequence change falls in intron 4 of the PRKAG2 gene. It does not directly change the encoded amino acid sequence of the PRKAG2 protein. It affects a nucleotide within the consensus splice site. The frequency data for this variant in the population databases is considered unreliable, as metrics indicate poor data quality at this position in the gnomAD database. This variant has not been reported in the literature in individuals affected with PRKAG2-related conditions. ClinVar contains an entry for this variant (Variation ID: 378427). Variants that disrupt the consensus splice site are a relatively common cause of aberrant splicing (PMID: 17576681, 9536098). Algorithms developed to predict the effect of sequence changes on RNA splicing suggest that this variant is not likely to affect RNA splicing. In summary, the available evidence is currently insufficient to determine the role of this variant in disease. Therefore, it has been classified as a Variant of Uncertain Significance.

Blueprint Genetics
Classification: Likely benign. Last evaluated: 2022-11-01. Review status: criteria provided, single submitter. Criteria: ACMG Guidelines, 2015. Collection method: clinical testing. Allele origin: germline.

GeneDx
Classification: Likely benign. Last evaluated: 2016-07-07. Review status: criteria provided, single submitter. Criteria: GeneDx Variant Classification (06012015). Collection method: clinical testing. Allele origin: germline. Affected: yes.
Comment: This variant is considered likely benign or benign based on one or more of the following criteria: it is a conservative change, it occurs at a poorly conserved position in the protein, it is predicted to be benign by multiple in silico algorithms, and/or has population frequency not consistent with disease.

Literature cited by the submitters: PubMed 17576681 (cited by Labcorp Genetics (formerly Invitae), Labcorp); PubMed 9536098 (cited by Labcorp Genetics (formerly Invitae), Labcorp).

NM_016203.4(PRKAG2):c.685-3C>T

Genes: PRKAG2 (protein kinase AMP-activated non-catalytic subunit gamma 2; minus strand), LOC129999660 (ATAC-STARR-seq lymphoblastoid silent region 18823; plus strand). Cytogenetic location: 7q36.1.
Variant type: single nucleotide variant.
Coding change: c.685-3C>T on transcript NM_016203.4 (MANE Select); 3 bases into the intron before coding-DNA position 685, C replaced by T.
Molecular consequence: intron variant. On other transcripts: 5 prime UTR variant (1).
Genome position (GRCh38, 1-based): chr7:151,632,141, G>A on the plus strand (C>T on the coding strand, the complement: PRKAG2 is on the minus strand). VCF-style: chr7-151632141-G-A. GRCh37 (hg19) VCF-style: chr7-151329227-G-A.
Other names: c.-42C>T (NM_024429.2); c.553-3C>T (NM_001040633.2); c.313-3C>T (NM_001304527.2, NM_001363698.2); c.-39-3C>T (NM_001304531.2).
Identifiers: ClinVar variation 378427 (VCV000378427.7), dbSNP rs1057520353, ClinGen allele CA16605284.